The following is an entry in ClinVar:

ClinVar aggregate classification (germline): Pathogenic (1 of 4 stars; one submission).

Submission:

Labcorp Genetics (formerly Invitae), Labcorp
Classification: Pathogenic. Last evaluated: 2019-02-11. Review status: criteria provided, single submitter. Criteria: Invitae Variant Classification Sherloc (09022015). Collection method: clinical testing. Allele origin: germline.
Comment: This sequence change is an Alu-mediated insertion in exon 33 of the VPS13A mRNA (c.3525_3526insAlu), causing a frameshift at codon 1176 (p.Gln1176fs). The exact size and sequence of the insertion cannot be determined by the current assay. However, the insertion is expected to result in an absent or disrupted protein product. This variant is not present in population databases (ExAC no frequency). This variant has not been reported in the literature in individuals with VPS13A-related conditions. Retrotransposon insertions including LINE1 (L1), Alu, and SVA (SINE-VNTR-Alu) have been reported to be disease-causing through disruption of either a coding region or splice site (PMID: 19763152, 20307669, 22406018). Loss-of-function variants in VPS13A are known to be pathogenic (PMID: 12404112, 21598378). For these reasons, this variant has been classified as Pathogenic.

Literature cited by the submitters: PubMed 19763152; PubMed 20307669; PubMed 22406018.

NM_033305.2:c.3525_3526insAlu

Gene: VPS13A (vacuolar protein sorting 13 homolog A; plus strand). Cytogenetic location: 9q21.2.
Variant type: Insertion.
Identifiers: ClinVar variation 870277 (VCV000870277.1).